The following is an entry in ClinVar:

NM_000363.5(TNNI3):c.572_573dup (p.Arg192fs)

Gene: TNNI3 (troponin I3, cardiac type; minus strand). Cytogenetic location: 19q13.42.
Variant type: Duplication.
Coding change: c.572_573dup on transcript NM_000363.5 (MANE Select); coding-DNA positions 572 to 573, 2 bases duplicated (GG; older notation c.572_573dupGG).
Protein change: p.Arg192fs; shifts the reading frame from arginine 192.
Molecular consequence: frameshift variant.
Genome position (GRCh38, 1-based): chr19:55,151,894-55,151,895, CC duplicated on the plus strand (GG on the coding strand, the reverse complement: TNNI3 is on the minus strand). VCF-style (leftmost placement, unchanged base first): chr19-55151893-G-GCC. GRCh37 (hg19) VCF-style: chr19-55663261-G-GCC.
Other names: short protein forms R192fs.
Identifiers: ClinVar variation 3731502 (VCV003731502.1).

ClinVar aggregate classification (germline): Uncertain significance (1 of 4 stars; one submission).

Conditions:
Cardiomyopathy, familial restrictive, 1. Identifiers: Orphanet 75249, MedGen C1861861, MONDO:0007270, OMIM 115210.

Submission:

Neuberg Centre For Genomic Medicine, NCGM
Classification: Uncertain significance for Cardiomyopathy, familial restrictive, 1. Last evaluated: 2023-06-22. Review status: criteria provided, single submitter. Criteria: ACMG Guidelines, 2015. Collection method: clinical testing. Allele origin: germline. Inheritance: Autosomal dominant inheritance. Affected: yes.
Comment: The observed frameshift c.572_573dup(p.Arg192GlyfsTer8) variant in TNNI3 gene has not been reported previously as a pathogenic variant nor a benign variant, to our knowledge. The p.Arg192GlyfsTer8 variant is absent in gnomAD Exomes. This variant has not been submitted to the ClinVar database. This variant causes a frameshift starting with codon Arginine 192, changes this amino acid to Glycine residue, and creates a premature Stop codon at position 8 of the new reading frame, denoted p.Arg192GlyfsTer8. Loss of function variants downstream of this location have not been reported previously. Moreover, this variant is present in the last exon and functional studies will be required to prove protein truncation. For these reasons, this variant has been classified as a Variant of Uncertain Significance (VUS).